The following is an entry in ClinVar:

NM_000426.4(LAMA2):c.7609G>A (p.Val2537Met)

Gene: LAMA2 (laminin subunit alpha 2; plus strand). Cytogenetic location: 6q22.33.
Variant type: single nucleotide variant.
Coding change: c.7609G>A on transcript NM_000426.4 (MANE Select); coding-DNA position 7609, G replaced by A.
Protein change: p.Val2537Met; replaces valine 2537 with methionine.
Molecular consequence: missense variant.
Genome position (GRCh38, 1-based): chr6:129,481,299, G>A. VCF-style: chr6-129481299-G-A. GRCh37 (hg19) VCF-style: chr6-129802444-G-A.
Other names: c.7597G>A, p.Val2533Met (NM_001079823.2); short protein forms V2537M, V2533M.
Identifiers: ClinVar variation 2149714 (VCV002149714.2), dbSNP rs540611163, ClinGen allele CA3994618.

ClinVar aggregate classification (germline): Uncertain significance. Review status: criteria provided, multiple submitters, no conflicts (2 of 4 stars). 2 submissions from 2 submitters: Uncertain significance (2). Last evaluated 2024-11-14.

Conditions:
Inborn genetic diseases. Identifiers: MedGen C0950123, MeSH D030342.
LAMA2-related muscular dystrophy (LAMA2-RD). Also called: Laminin alpha 2-related dystrophy. Identifiers: MedGen C5679788, MONDO:0100228.

Allele frequency attached by ClinVar (database versions not stated): gnomAD exomes below 0.00001; ExAC 0.00001; TOPMed 0.00001; gnomAD 0.00003; 1000 Genomes Project 30x 0.00016; 1000 Genomes Project 0.00020.
gnomAD v4.1: 10 of 1,613,748 alleles (0.00062%); highest among the groups gnomAD compares: African/African-American, 0.0053%; no homozygotes.

Submissions (2):

Ambry Genetics
Classification: Uncertain significance for Inborn genetic diseases. Last evaluated: 2024-11-14. Review status: criteria provided, single submitter. Criteria: Ambry Variant Classification Scheme 2023. Collection method: clinical testing. Allele origin: germline.

Labcorp Genetics (formerly Invitae), Labcorp
Classification: Uncertain significance for LAMA2-related muscular dystrophy. Last evaluated: 2022-07-06. Review status: criteria provided, single submitter. Criteria: Invitae Variant Classification Sherloc (09022015). Collection method: clinical testing. Allele origin: germline.
Comment: This sequence change replaces valine, which is neutral and non-polar, with methionine, which is neutral and non-polar, at codon 2537 of the LAMA2 protein (p.Val2537Met). This variant is present in population databases (rs540611163, gnomAD 0.01%). This variant has not been reported in the literature in individuals affected with LAMA2-related conditions. Advanced modeling of protein sequence and biophysical properties (such as structural, functional, and spatial information, amino acid conservation, physicochemical variation, residue mobility, and thermodynamic stability) performed at Invitae indicates that this missense variant is not expected to disrupt LAMA2 protein function. In summary, the available evidence is currently insufficient to determine the role of this variant in disease. Therefore, it has been classified as a Variant of Uncertain Significance.